The following is an entry in ClinVar:

ClinVar aggregate classification (germline): Uncertain significance (1 of 4 stars; one submission).

Submission:

GeneDx
Classification: Uncertain significance. Last evaluated: 2015-05-22. Review status: criteria provided, single submitter. Criteria: GeneDx Variant Classification (06012015). Collection method: clinical testing. Allele origin: germline. Affected: yes.
Comment: This variant is denoted BRIP1 c.1629-10T>G or IVS11-10T>G and consists of a T>G nucleotide substitution at the -10 position of intron 11 of the BRIP1 gene. Multiple in silico models predict this variant to damage the nearby natural acceptor site, and to possibly cause abnormal gene splicing. This variant has not, to our knowledge, been published in the literature as pathogenic or benign. The thymine (T) nucleotide that is altered is not conserved across species. Based on currently available information, it is unclear whether BRIP1 c.1629-10T>G is pathogenic or benign. We consider it to be a variant of uncertain significance.

NM_032043.3(BRIP1):c.1629-10T>G

Gene: BRIP1 (BRCA1 interacting helicase 1; minus strand). Cytogenetic location: 17q23.2.
Variant type: single nucleotide variant.
Coding change: c.1629-10T>G on transcript NM_032043.3 (MANE Select); 10 bases into the intron before coding-DNA position 1629, T replaced by G.
Molecular consequence: intron variant.
Genome position (GRCh38, 1-based): chr17:61,781,015, A>C on the plus strand (T>G on the coding strand, the complement: BRIP1 is on the minus strand). VCF-style: chr17-61781015-A-C. GRCh37 (hg19) VCF-style: chr17-59858376-A-C.
Identifiers: ClinVar variation 419114 (VCV000419114.2), dbSNP rs1064793653, ClinGen allele CA16620529.